The following is an entry in ClinVar:

NM_032043.3(BRIP1):c.443G>A (p.Arg148Lys)

Gene: BRIP1 (BRCA1 interacting DNA helicase 1; minus strand). Cytogenetic location: 17q23.2.
Variant type: single nucleotide variant.
Coding change: c.443G>A on transcript NM_032043.3 (MANE Select); coding-DNA position 443, G replaced by A.
Protein change: p.Arg148Lys; replaces arginine 148 with lysine.
Molecular consequence: missense variant.
Genome position (GRCh38, 1-based): chr17:61,849,193, C>T on the plus strand (G>A on the coding strand, the complement: BRIP1 is on the minus strand). VCF-style: chr17-61849193-C-T. GRCh37 (hg19) VCF-style: chr17-59926554-C-T.
Other names: short protein forms R148K.
Identifiers: ClinVar variation 854312 (VCV000854312.11), dbSNP rs1243511600, ClinGen allele CA400484485.

ClinVar aggregate classification (germline): Uncertain significance. Review status: criteria provided, multiple submitters, no conflicts (2 of 4 stars). 2 submissions from 2 submitters: Uncertain significance (2). Last evaluated 2023-03-17.

Conditions:
Hereditary cancer-predisposing syndrome. Also called: Neoplastic Syndromes, Hereditary; Hereditary Cancer Syndrome; Hereditary neoplastic syndrome; Tumor predisposition. Identifiers: Orphanet 140162, MedGen C0027672, MeSH D009386, MONDO:0015356.
Familial cancer of breast. Also called: hereditary breast carcinoma; BREAST CANCER, FAMILIAL; Hereditary breast cancer. Identifiers: Orphanet 227535, MedGen C0346153, MONDO:0016419, OMIM 114480. Disease mechanism: loss of function.
Fanconi anemia complementation group J. Also called: BRIP1-Related Fanconi Anemia. Identifiers: Orphanet 84, MedGen C1836860, MONDO:0012187, OMIM 609054.

Allele frequency attached by ClinVar (database versions not stated): gnomAD exomes below 0.00001.
gnomAD v4.1: 1 of 1,612,846 alleles (0.000062%); highest among the groups gnomAD compares: East Asian, 0.0022%; no homozygotes.

Submissions (2):

Labcorp Genetics (formerly Invitae), Labcorp
Classification: Uncertain significance for Familial cancer of breast; Fanconi anemia complementation group J. Last evaluated: 2023-03-17. Review status: criteria provided, single submitter. Criteria: Invitae Variant Classification Sherloc (09022015). Collection method: clinical testing. Allele origin: germline.
Comment: This sequence change replaces arginine, which is basic and polar, with lysine, which is basic and polar, at codon 148 of the BRIP1 protein (p.Arg148Lys). This variant is present in population databases (no rsID available, gnomAD 0.006%). This variant has not been reported in the literature in individuals affected with BRIP1-related conditions. ClinVar contains an entry for this variant (Variation ID: 854312). Advanced modeling of protein sequence and biophysical properties (such as structural, functional, and spatial information, amino acid conservation, physicochemical variation, residue mobility, and thermodynamic stability) performed at Invitae indicates that this missense variant is not expected to disrupt BRIP1 protein function. In summary, the available evidence is currently insufficient to determine the role of this variant in disease. Therefore, it has been classified as a Variant of Uncertain Significance.

Ambry Genetics
Classification: Uncertain significance for Hereditary cancer-predisposing syndrome. Last evaluated: 2021-11-22. Review status: criteria provided, single submitter. Criteria: Ambry Variant Classification Scheme 2023. Collection method: clinical testing. Allele origin: germline.
Comment: The p.R148K variant (also known as c.443G>A), located in coding exon 4 of the BRIP1 gene, results from a G to A substitution at nucleotide position 443. The arginine at codon 148 is replaced by lysine, an amino acid with highly similar properties. This amino acid position is conserved. In addition, this alteration is predicted to be tolerated by in silico analysis. Since supporting evidence is limited at this time, the clinical significance of this alteration remains unclear.